The following is an entry in ClinVar:

NM_004465.2(FGF10):c.298G>A (p.Gly100Arg)

Gene: FGF10 (fibroblast growth factor 10; minus strand). Cytogenetic location: 5p12.
Variant type: single nucleotide variant.
Coding change: c.298G>A on transcript NM_004465.2 (MANE Select); coding-DNA position 298, G replaced by A.
Protein change: p.Gly100Arg; replaces glycine 100 with arginine.
Molecular consequence: missense variant.
Genome position (GRCh38, 1-based): chr5:44,388,385, C>T on the plus strand (G>A on the coding strand, the complement: FGF10 is on the minus strand). VCF-style: chr5-44388385-C-T. GRCh37 (hg19) VCF-style: chr5-44388487-C-T.
Other names: short protein forms G100R.
Identifiers: ClinVar variation 4880193 (VCV004880193.1).

ClinVar aggregate classification (germline): Likely pathogenic (1 of 4 stars; one submission).

Conditions:
Lacrimoauriculodentodigital syndrome 3 (LADD3). Also called: LADD syndrome 3. Identifiers: MedGen C5774287, MONDO:0859578, OMIM 620193.

Submission:

Wales Gene Park, Division Of Cancer and Genetics, Cardiff University
Classification: Likely pathogenic for Lacrimoauriculodentodigital syndrome 3. Last evaluated: 2026-04-28. Review status: criteria provided, single submitter. Criteria: ACGS Best Practice Guidelines for Variant Classification in Rare Disease 2024. Collection method: research. Allele origin: maternal. Inheritance: Autosomal dominant inheritance. Affected: yes. Study: 100,000 Genomes Project (Wales).
Comment: Heterozygous FGF10 missense variant detected by genome sequencing. REVEL score 0.971. Not in gnomAD (v4.1.1). Family with features of LADD syndrome, 4 affected individuals over 2 generations. Gly100 is a highly conserved resiude in the β-trefoil core domain near other pathogenic missense variants. Evidence codes: PM2, PP1, PP3, PM1_supporting, PS2_supporting.